The following is an entry in ClinVar:

NM_005061.3(RPL3L):c.132G>A (p.Thr44=)

Gene: RPL3L (ribosomal protein L3 like; minus strand). Cytogenetic location: 16p13.3.
Variant type: single nucleotide variant.
Coding change: c.132G>A on transcript NM_005061.3 (MANE Select); coding-DNA position 132, G replaced by A.
Protein change: p.Thr44=; no amino-acid change (threonine 44 retained).
Molecular consequence: synonymous variant.
Genome position (GRCh38, 1-based): chr16:1,954,020, C>T on the plus strand (G>A on the coding strand, the complement: RPL3L is on the minus strand). VCF-style: chr16-1954020-C-T. GRCh37 (hg19) VCF-style: chr16-2004021-C-T.
Identifiers: ClinVar variation 3352698 (VCV003352698.1).

ClinVar aggregate classification (germline): Likely benign (0 of 4 stars; one submission).

Conditions:
RPL3L-related condition.

gnomAD v4.1: 54 of 1,604,952 alleles (0.0034%); highest among the groups gnomAD compares: African/African-American, 0.016%; no homozygotes.

Submission:

PreventionGenetics, part of Exact Sciences
Classification: Likely benign for RPL3L-related condition. Last evaluated: 2024-05-04. Review status: no assertion criteria provided. Collection method: clinical testing. Allele origin: germline.
Comment: This variant is classified as likely benign based on ACMG/AMP sequence variant interpretation guidelines (Richards et al. 2015 PMID: 25741868, with internal and published modifications).